The following is an entry in ClinVar:

ClinVar aggregate classification (germline): Uncertain significance (1 of 4 stars; one submission).

Conditions:
Inborn genetic diseases. Identifiers: MedGen C0950123, MeSH D030342.

Allele frequency attached by ClinVar (database versions not stated): gnomAD 0.00005; TOPMed 0.00009; 1000 Genomes Project 30x 0.00016; 1000 Genomes Project 0.00020.
gnomAD v4.1: 48 of 1,102,856 alleles (0.0044%); highest among the groups gnomAD compares: Middle Eastern, 0.12%; 1 homozygote.

Submission:

Ambry Genetics
Classification: Uncertain significance for Inborn genetic diseases. Last evaluated: 2021-02-12. Review status: criteria provided, single submitter. Criteria: Ambry Variant Classification Scheme 2023. Collection method: clinical testing. Allele origin: germline.
Comment: The c.785C>A (p.P262Q) alteration is located in exon 7 (coding exon 7) of the CTNND2 gene. This alteration results from a C to A substitution at nucleotide position 785, causing the proline (P) at amino acid position 262 to be replaced by a glutamine (Q). The p.P262Q alteration is predicted to be tolerated by in silico analysis. Based on insufficient or conflicting evidence, the clinical significance of this alteration remains unclear.

NM_001332.4(CTNND2):c.785C>A (p.Pro262Gln)

Gene: CTNND2 (catenin delta 2; minus strand). Cytogenetic location: 5p15.2.
Variant type: single nucleotide variant.
Coding change: c.785C>A on transcript NM_001332.4 (MANE Select); coding-DNA position 785, C replaced by A.
Protein change: p.Pro262Gln; replaces proline 262 with glutamine.
Molecular consequence: missense variant. On other transcripts: intron variant (3).
Genome position (GRCh38, 1-based): chr5:11,385,057, G>T on the plus strand (C>A on the coding strand, the complement: CTNND2 is on the minus strand). VCF-style: chr5-11385057-G-T. GRCh37 (hg19) VCF-style: chr5-11385169-G-T.
Other names: c.512C>A, p.Pro171Gln (NM_001288715.1); c.-123+11974C>A (NM_001288717.2); c.167-20167C>A (NM_001364128.2, NM_001288716.1); short protein forms P262Q, P171Q.
Identifiers: ClinVar variation 2372317 (VCV002372317.2), dbSNP rs560682486, ClinGen allele CA114394850.